The following is an entry in ClinVar:

NM_005732.4(RAD50):c.2998G>A (p.Asp1000Asn)

Gene: RAD50 (RAD50 double strand break repair protein; plus strand). Cytogenetic location: 5q31.1.
Variant type: single nucleotide variant.
Coding change: c.2998G>A on transcript NM_005732.4 (MANE Select); coding-DNA position 2998, G replaced by A.
Protein change: p.Asp1000Asn; replaces aspartic acid 1000 with asparagine.
Molecular consequence: missense variant.
Genome position (GRCh38, 1-based): chr5:132,609,358, G>A. VCF-style: chr5-132609358-G-A. GRCh37 (hg19) VCF-style: chr5-131945050-G-A.
Other names: short protein forms D1000N.
Identifiers: ClinVar variation 1052971 (VCV001052971.9), dbSNP rs2149849887, ClinGen allele CA360960805.

ClinVar aggregate classification (germline): Uncertain significance (1 of 4 stars; one submission).

Conditions:
Hereditary cancer-predisposing syndrome. Also called: Tumor predisposition; Hereditary neoplastic syndrome; Hereditary Cancer Syndrome; Neoplastic Syndromes, Hereditary. Identifiers: Orphanet 140162, MedGen C0027672, MeSH D009386, MONDO:0015356.

Submission:

Labcorp Genetics (formerly Invitae), Labcorp
Classification: Uncertain significance for Hereditary cancer-predisposing syndrome. Last evaluated: 2020-07-03. Review status: criteria provided, single submitter. Criteria: Invitae Variant Classification Sherloc (09022015). Collection method: clinical testing. Allele origin: germline.
Comment: This sequence change replaces aspartic acid with asparagine at codon 1000 of the RAD50 protein (p.Asp1000Asn). The aspartic acid residue is weakly conserved and there is a small physicochemical difference between aspartic acid and asparagine. This variant is not present in population databases (ExAC no frequency). This variant has not been reported in the literature in individuals with RAD50-related conditions. Algorithms developed to predict the effect of missense changes on protein structure and function are either unavailable or do not agree on the potential impact of this missense change (SIFT: "Deleterious"; PolyPhen-2: "Benign"; Align-GVGD: "Class C0"). In summary, the available evidence is currently insufficient to determine the role of this variant in disease. Therefore, it has been classified as a Variant of Uncertain Significance.